The following is an entry in ClinVar:

NM_002185.5(IL7R):c.353G>A (p.Cys118Tyr)

Gene: IL7R (interleukin 7 receptor; plus strand). Cytogenetic location: 5p13.2.
Variant type: single nucleotide variant.
Coding change: c.353G>A on transcript NM_002185.5 (MANE Select); coding-DNA position 353, G replaced by A.
Protein change: p.Cys118Tyr; replaces cysteine 118 with tyrosine.
Molecular consequence: missense variant. On other transcripts: non-coding transcript variant (1).
Genome position (GRCh38, 1-based): chr5:35,867,437, G>A. VCF-style: chr5-35867437-G-A. GRCh37 (hg19) VCF-style: chr5-35867539-G-A.
Other names: NM_002185.5(IL7R):c.353G>A; short protein forms C118Y.
Identifiers: ClinVar variation 36392 (VCV000036392.20), dbSNP rs193922641, ClinGen allele CA214043.
Genomic context (GRCh38, chr5:35,867,437, plus strand): 5'-AATTCTTACTGATTGGAAAGAGCAATATATGTGTGAAGGTTGGAGAAAAGAGTCTAACCT[G>A]CAAAAAAATAGACCTAACCACTATAGGTAAGAAGTTGTATATAAAAGTATGGTTGTCACT-3'
Protein context (NP_002176.2, residues 108-128): CVKVGEKSLT[Cys118Tyr]KKIDLTTIVK

ClinVar aggregate classification (germline): Pathogenic. Review status: reviewed by expert panel (3 of 4 stars). 7 submissions from 7 submitters: Pathogenic (1). 6 of the submissions do not count toward it. Last evaluated 2023-10-10.

Conditions:
IL7R-related disorders.
Severe combined immunodeficiency disease. Also called: Severe Combined Immune Deficiency; Severe combined immunodeficiency. Identifiers: Orphanet 183660, MedGen C0085110, MeSH D016511, MONDO:0015974, HP:0004430. Inheritance: X-Linked or Autosomal recessive.
Immunodeficiency 104. Also called: Severe Combined Immune Deficiency, Autosomal Recessive, TCell -Negative, B Cell-Positive, NK Cell-Positive, IL7R-Related; IMMUNODEFICIENCY 104, SEVERE COMBINED; Severe combined immunodeficiency, autosomal recessive, T cell-negative, B cell-positive, NK cell-positive; SCID, AUTOSOMAL RECESSIVE, T CELL-NEGATIVE, B CELL-POSITIVE, NK CELL-POSITIVE. Identifiers: MedGen C5676890, MONDO:0012163, OMIM 608971.

Allele frequency attached by ClinVar (database versions not stated): gnomAD exomes 0.00001; ExAC 0.00002; gnomAD 0.00003 and 0.00004; TOPMed 0.00003; ESP Exome Variant Server 0.00008.
gnomAD v4.1: 21 of 1,612,720 alleles (0.0013%); highest among the groups gnomAD compares: Admixed American, 0.01%; no homozygotes.

Submissions (7):

ClinGen Severe Combined Immunodeficiency Variant Curation Expert Panel, ClinGen
Classification: Pathogenic for Immunodeficiency 104. Last evaluated: 2023-10-10. Review status: reviewed by expert panel. Criteria: ClinGen SCID ACMG Specifications IL7R V1.0.0. Collection method: curation. Allele origin: germline. Inheritance: Autosomal recessive inheritance.
Comment: The missense variant NM_002185.5(IL7R):c.353G>A (p.Cys118Tyr) occurs at a low filtering allele frequency of 0.000009610 in gnomAD v2.1.1 (<0.00004129; PM2_Supporting). At least 14 SCID or Omenn syndrome patients have been reported with this variant in 10 publications (PMIDs: 35503492, 34573280, 27593400, 24759676, 16492442,15661025, 34153518, 17827065, 24578017, 27833609). Several have highly specific phenotypes which meet criteria for PP4 (PMIDs: 35503492, 24759676) and one patient (PMID: 27833609) had sufficient information to meet PP4_moderate; this patient fulfilled clinical and immunological parameters for severe combined immunodeficiency (SCID), with at T-B+NK+ subtype, absence of CD127 expression, and reduced f IL-7 induced pSTAT5 (Y694) in T-cells, which together are highly specific for IL7R-related SCID (PP4_moderate). Additionally, the variant has been reported to segregate with SCID in 2 affected family members from family 2 in PMID: 15661025 (PP1). Of the 14 patients, eight patients have been reported homozygous for this variant (PMIDs: 35503492, 34573280, 27593400, 24759676, 16492442,15661025; PM3) and six compound heterozygous; second variants were reported in P19 (PMID: 35503492) and the SCID patient reported in Zago CA et al. (PMID: 24759676) both harboring c.361dup without confirmation of trans phase (classified Pathogenic by the SCID VCEP; 0.5+0.5pt), the patients reported by Tsilifis C et al. (PMID: 34153518) and Butte MJ et al. (PMID: 17827065) both harbor c.379+288G>A confirmed in trans (provisionally classified by the SCID VCEP as VUS; 0.25+0.25pt), Case 1 (PMID: 24578017) has c.83-2A>T without confirmation of trans phase (provisionally classified as Pathogenic by the SCID VCEP; 0.5pt), and the patient reported by Gallego-Bustos F et al. (PMID: 27833609) has c.333T>A confirmed in trans (provisionally classified Likely Pathogenic by the SCID VCEP; 1pt), Total=4pts (PM3_VeryStrong). In summary, this variant meets the criteria to be classified as Pathogenic for autosomal recessive SCID based on the ACMG/AMP criteria applied, as specified by the ClinGen SCID VCEP. Criteria applied: PM2_supporting, PM3_VeryStrong, PP1, PP4_moderate. (SCID VCEP specifications version 1.0).

Dasa
Classification: Pathogenic for Immunodeficiency 104. Last evaluated: 2026-05-04. Review status: criteria provided, single submitter. Criteria: ACMG Guidelines, 2015. Collection method: clinical testing. Allele origin: germline. Affected: yes. Observed: 2 variant alleles. Not counted in ClinVar's aggregate classification.
Comment: NM_002185.5(IL7R):c.353G>A (p.Cys118Tyr) is a missense variant affecting the interleukin‑7 receptor alpha chain, a gene in which biallelic pathogenic variants cause autosomal recessive severe combined immunodeficiency due to impaired IL‑7 signalling and T‑cell development. The variant is rare in the general population, being observed at a very low allele frequency in large population datasets, and has been reported in at least 14 individuals with severe combined immunodeficiency or Omenn syndrome across multiple independent publications (PMIDs: 35503492, 34573280, 27593400, 24759676, 16492442, 15661025, 34153518, 17827065, 24578017, 27833609). Eight affected individuals were reported as homozygous for this variant, while additional patients were compound heterozygous with another IL7R variant, including cases with confirmed trans configuration, supporting a recessive disease mechanism. In one well-characterised individual, the clinical and immunological phenotype fulfilled criteria for T‑B+NK+ severe combined immunodeficiency with absent CD127 expression and markedly reduced IL‑7–induced STAT5 phosphorylation in T cells, a phenotype highly specific for IL7R deficiency (PMID: 27833609). Segregation with disease in affected siblings from a single family has also been reported (PMID: 15661025). Based on the available data, this variant is classified as Pathogenic.

Labcorp Genetics (formerly Invitae), Labcorp
Classification: Pathogenic for Immunodeficiency 104. Last evaluated: 2026-01-19. Review status: criteria provided, single submitter. Criteria: Invitae Variant Classification Sherloc (09022015). Collection method: clinical testing. Allele origin: germline. Not counted in ClinVar's aggregate classification.
Comment: This sequence change replaces cysteine, which is neutral and slightly polar, with tyrosine, which is neutral and polar, at codon 118 of the IL7R protein (p.Cys118Tyr). This variant is present in population databases (rs193922641, gnomAD 0.006%). This missense change has been observed in individuals with severe combined immunodeficiency (PMID: 15661025, 16492442, 17827065, 24759676, 27833609). It has also been observed to segregate with disease in related individuals. This variant is also known as 375G>A (p.C118Y). ClinVar contains an entry for this variant (Variation ID: 36392). Invitae Evidence Modeling of protein sequence and biophysical properties (such as structural, functional, and spatial information, amino acid conservation, physicochemical variation, residue mobility, and thermodynamic stability) indicates that this missense variant is expected to disrupt IL7R protein function with a positive predictive value of 95%. For these reasons, this variant has been classified as Pathogenic.

GeneDx
Classification: Likely pathogenic. Last evaluated: 2023-10-27. Review status: criteria provided, single submitter. Criteria: GeneDx Variant Classification Process June 2021. Collection method: clinical testing. Allele origin: germline. Affected: yes. Not counted in ClinVar's aggregate classification.
Comment: In silico analysis supports that this missense variant has a deleterious effect on protein structure/function; Also known as p.(C98Y); This variant is associated with the following publications: (PMID: 16492442, 17827065, 24759676, 31589614, 35503492, 34573280, 34598035, 15661025, 35601409, 19141282, 24578017, 27833609)

Women's Health and Genetics/Laboratory Corporation of America, LabCorp
Classification: Pathogenic for Severe combined immunodeficiency disease. Last evaluated: 2023-09-21. Review status: criteria provided, single submitter. Criteria: LabCorp Variant Classification Summary - May 2015. Collection method: clinical testing. Allele origin: germline. Not counted in ClinVar's aggregate classification.
Comment: Variant summary: IL7R c.353G>A (p.Cys118Tyr) results in a non-conservative amino acid change located in the IL-7Ralpha, fibronectin type III domain (IPR040997) of the encoded protein sequence. Three of five in-silico tools predict a benign effect of the variant on protein function. The variant allele was found at a frequency of 1.2e-05 in 250650 control chromosomes (gnomAD and publication data). c.353G>A has been reported in the literature as a biallelic genotype in multiple individuals affected with Severe Combined Immunodeficiency Syndrome/Omenn Syndrome (e.g. Giliani_2005, Giliani_2006, Butte_2007, Zago_2014, Gallego-Bustos_2016). These data indicate that the variant is very likely to be associated with disease. To our knowledge, no experimental evidence demonstrating an impact on protein function has been reported. The following publications have been ascertained in the context of this evaluation (PMID: 17827065, 27833609, 15661025, 16492442, 24759676). Four submitters have cited clinical-significance assessments for this variant to ClinVar after 2014. All submitters classified the variant as pathogenic/likely pathogenic. Based on the evidence outlined above, the variant was classified as pathogenic.

Blueprint Genetics
Classification: Pathogenic for IL7R-related disorders. Last evaluated: 2022-09-09. Review status: criteria provided, single submitter. Criteria: ACMG Guidelines, 2015. Collection method: clinical testing. Allele origin: germline. Affected: yes. Observed: 2 variant alleles. Not counted in ClinVar's aggregate classification.

Laboratorio de Genetica e Diagnostico Molecular, Hospital Israelita Albert Einstein
Classification: Pathogenic for Immunodeficiency 104. Last evaluated: 2021-12-01. Review status: criteria provided, single submitter. Criteria: ACMG Guidelines, 2015. Collection method: clinical testing. Allele origin: germline. Affected: yes. Not counted in ClinVar's aggregate classification.
Comment: ACMG classification criteria: PS4 strong, PM2 moderate, PM3 strong, PP4 supporting

Literature cited by the submitters: PubMed 35503492 (cited by Dasa); PubMed 34573280 (cited by Dasa); PubMed 27593400 (cited by Dasa); PubMed 24759676 (cited by 3 submitters); PubMed 15661025 (cited by Labcorp Genetics (formerly Invitae), Labcorp and Women's Health and Genetics/Laboratory Corporation of America, LabCorp); PubMed 16492442 (cited by Labcorp Genetics (formerly Invitae), Labcorp and Women's Health and Genetics/Laboratory Corporation of America, LabCorp); PubMed 17827065 (cited by Labcorp Genetics (formerly Invitae), Labcorp and Women's Health and Genetics/Laboratory Corporation of America, LabCorp); PubMed 27833609 (cited by Labcorp Genetics (formerly Invitae), Labcorp and Women's Health and Genetics/Laboratory Corporation of America, LabCorp).